The following is an entry in ClinVar:

ClinVar aggregate classification (germline): Likely pathogenic. Review status: criteria provided, multiple submitters, no conflicts (2 of 4 stars). 2 submissions from 2 submitters: Likely pathogenic (2). Last evaluated 2024-05-01.

Conditions:
Deficiency of acetyl-CoA acetyltransferase. Also called: 3-KETOTHIOLASE DEFICIENCY; 3-OXOTHIOLASE DEFICIENCY; Beta-ketothiolase deficiency; MITOCHONDRIAL ACETOACETYL-CoA THIOLASE DEFICIENCY. Identifiers: Orphanet 134, MedGen C1536500, MONDO:0008760, OMIM 203750. Disease mechanism: loss of function.

Allele frequency attached by ClinVar (database versions not stated): TOPMed 0.00001.
gnomAD v4.1: 1 of 1,605,576 alleles (0.000062%); highest among the groups gnomAD compares: Non-Finnish European, 0.000085%; no homozygotes.

Submissions (2):

Natera, Inc.
Classification: Likely pathogenic for Alpha-methylacetoacetic aciduria. Last evaluated: 2024-05-01. Review status: criteria provided, single submitter. Criteria: Natera Variant Classification Schema (03/2026). Collection method: clinical testing. Allele origin: germline.
Comment: The c.826+5G>T variant in ACAT1 is an intronic variant located outside the canonical splice sites. This variant is rare in the general population with a frequency below the threshold expected for the associated phenotype(s). This variant has been observed in one or more individuals affected with the associated recessive disease, as either homozygous or compound heterozygous with a second variant (PMID: 20046049). Additionally, this variant has been observed to segregate in affected family members (PMID: 20046049). Functional studies show that this variant may disrupt protein function (PMID: 20046049). Computational prediction algorithms indicate this variant is likely to affect gene or protein function. Given the available evidence, this variant is classified as Likely Pathogenic.

Department of Pediatrics, Gifu University
Classification: Likely pathogenic for Deficiency of acetyl-CoA acetyltransferase. Last evaluated: 2019-05-05. Review status: criteria provided, single submitter. Criteria: ACMG Guidelines, 2015. Collection method: research. Allele origin: germline. Affected: yes. Observed: 2 variant alleles.

Literature cited by the submitters: PubMed 20046049 (cited by Natera, Inc.); PubMed 31268215 (cited by Department of Pediatrics, Gifu University).

NM_000019.4(ACAT1):c.826+5G>T

Gene: ACAT1 (acetyl-CoA acetyltransferase 1; plus strand). Cytogenetic location: 11q22.3.
Variant type: single nucleotide variant.
Coding change: c.826+5G>T on transcript NM_000019.4 (MANE Select); 5 bases into the intron after coding-DNA position 826, G replaced by T.
Molecular consequence: intron variant.
Genome position (GRCh38, 1-based): chr11:108,141,705, G>T. VCF-style: chr11-108141705-G-T. GRCh37 (hg19) VCF-style: chr11-108012432-G-T.
Identifiers: ClinVar variation 666504 (VCV000666504.2), dbSNP rs1591370366, ClinGen allele CA915947695.
Genomic context (GRCh38, chr11:108,141,705, plus strand): 5'-ACGTGTTGATTTTAGCAAAGTTCCAAAGCTGAAGACAGTTTTCCAGAAAGAAAATGGTTA[G>T]TGTTAAGAAATGAAGCATAAGAAAAAATTGAGCCAGTATACCATATCTAGTTCTTAGAAT-3'